The following is an entry in ClinVar:

NM_003978.5(PSTPIP1):c.586G>A (p.Ala196Thr)

Gene: PSTPIP1 (proline-serine-threonine phosphatase interacting protein 1; plus strand). Cytogenetic location: 15q24.3.
Variant type: single nucleotide variant.
Coding change: c.586G>A on transcript NM_003978.5 (MANE Select); coding-DNA position 586, G replaced by A.
Protein change: p.Ala196Thr; replaces alanine 196 with threonine.
Molecular consequence: missense variant.
Genome position (GRCh38, 1-based): chr15:77,030,525, G>A. VCF-style: chr15-77030525-G-A. GRCh37 (hg19) VCF-style: chr15-77322866-G-A.
Other names: c.586G>A (LRG_172t1); c.586G>A, p.Ala196Thr (NM_001321135.2); c.559G>A, p.Ala187Thr (NM_001321136.2); c.781G>A, p.Ala261Thr (NM_001321137.1); short protein forms A196T, A187T, A261T.
Identifiers: ClinVar variation 317177 (VCV000317177.23), dbSNP rs758911910, ClinGen allele CA7675894.

ClinVar aggregate classification (germline): Conflicting classifications of pathogenicity. Review status: criteria provided, conflicting classifications (1 of 4 stars). 4 submissions from 4 submitters: Uncertain significance (3); Benign (1). Last evaluated 2021-09-18.

Conditions:
Autoinflammatory syndrome. Identifiers: Orphanet 93665, MedGen C3890737, MONDO:0019751.
Pyogenic arthritis-pyoderma gangrenosum-acne syndrome (PAPA). Also called: FAMILIAL RECURRENT ARTHRITIS; PAPA SYNDROME. Identifiers: Orphanet 69126, MedGen C1858361, MONDO:0011462, OMIM 604416.

Allele frequency attached by ClinVar (database versions not stated): gnomAD exomes 0.00002; ExAC 0.00003; TOPMed 0.00003.
gnomAD v4.1: 31 of 1,612,652 alleles (0.0019%); highest among the groups gnomAD compares: East Asian, 0.067%; no homozygotes.

Submissions (4):

Labcorp Genetics (formerly Invitae), Labcorp
Classification: Uncertain significance for Pyogenic arthritis-pyoderma gangrenosum-acne syndrome. Last evaluated: 2021-09-18. Review status: criteria provided, single submitter. Criteria: Invitae Variant Classification Sherloc (09022015). Collection method: clinical testing. Allele origin: germline.
Comment: This sequence change replaces alanine with threonine at codon 196 of the PSTPIP1 protein (p.Ala196Thr). The alanine residue is weakly conserved and there is a small physicochemical difference between alanine and threonine. This variant is present in population databases (rs758911910, ExAC 0.04%). This variant has not been reported in the literature in individuals affected with PSTPIP1-related conditions. ClinVar contains an entry for this variant (Variation ID: 317177). Algorithms developed to predict the effect of missense changes on protein structure and function output the following: SIFT: "Tolerated"; PolyPhen-2: "Benign"; Align-GVGD: "Class C0". The threonine amino acid residue is found in multiple mammalian species, which suggests that this missense change does not adversely affect protein function. In summary, the available evidence is currently insufficient to determine the role of this variant in disease. Therefore, it has been classified as a Variant of Uncertain Significance.

ARUP Laboratories, Molecular Genetics and Genomics, ARUP Laboratories
Classification: Uncertain significance for Pyogenic arthritis-pyoderma gangrenosum-acne syndrome. Last evaluated: 2020-04-30. Review status: criteria provided, single submitter. Criteria: ARUP Molecular Germline Variant Investigation Process. Collection method: clinical testing. Allele origin: germline.
Comment: The PSTPIP1 c.586G>A; p.Ala196Thr variant (rs758911910), to our knowledge, is not reported in the medical literature or gene specific databases. The variant is reported in the ClinVar database (Variation ID: 317177) and in the general population with an overall allele frequency of 0.002429% (6/247,002 alleles) in the Genome Aggregation Database. The alanine at codon 196 is weakly conserved and computational analyses (SIFT, PolyPhen-2) predict that this variant is tolerated. Due to limited information, the clinical significance of the p.Ala196Thr variant is uncertain at this time.

Illumina Laboratory Services, Illumina
Classification: Benign for Pyogenic arthritis-pyoderma gangrenosum-acne syndrome. Last evaluated: 2018-01-13. Review status: criteria provided, single submitter. Criteria: ICSL Variant Classification Criteria 13 December 2019. Collection method: clinical testing. Allele origin: germline.
Comment: This variant was observed in the ICSL laboratory as part of a predisposition screen in an ostensibly healthy population. It had not been previously curated by ICSL or reported in the Human Gene Mutation Database (HGMD: prior to June 1st, 2018), and was therefore a candidate for classification through an automated scoring system. Utilizing variant allele frequency, disease prevalence and penetrance estimates, and inheritance mode, an automated score was calculated to assess if this variant is too frequent to cause the disease. Based on the score and internal cut-off values, a variant classified as benign is not then subjected to further curation. The score for this variant resulted in a classification of benign for this disease.

Genome Diagnostics Laboratory, The Hospital for Sick Children
Classification: Uncertain significance for Autoinflammatory syndrome. Last evaluated: 2017-11-01. Review status: criteria provided, single submitter. Criteria: ACMG Guidelines, 2015. Collection method: clinical testing. Allele origin: germline. Affected: yes.